The following is an entry in ClinVar:

NM_152564.5(VPS13B):c.8528T>C (p.Leu2843Ser)

Gene: VPS13B (vacuolar protein sorting 13 homolog B; plus strand). Cytogenetic location: 8q22.2.
Variant type: single nucleotide variant.
Coding change: c.8528T>C on transcript NM_152564.5 (MANE Select); coding-DNA position 8528, T replaced by C.
Protein change: p.Leu2843Ser; replaces leucine 2843 with serine.
Molecular consequence: missense variant.
Genome position (GRCh38, 1-based): chr8:99,818,795, T>C. VCF-style: chr8-99818795-T-C. GRCh37 (hg19) VCF-style: chr8-100831023-T-C.
Other names: c.8603T>C, p.Leu2868Ser (NM_017890.5); short protein forms L2868S, L2843S.
Identifiers: ClinVar variation 2151569 (VCV002151569.3), dbSNP rs552728714, ClinGen allele CA182328178.

ClinVar aggregate classification (germline): Uncertain significance. Review status: criteria provided, multiple submitters, no conflicts (2 of 4 stars). 2 submissions from 2 submitters: Uncertain significance (2). Last evaluated 2025-02-17.

Conditions:
VPS13B-related disorder. Also called: VPS13B-related condition.
Cohen syndrome (COH1). Also called: PEPPER SYNDROME; Cutis verticis gyrata, retinitis pigmentosa, and sensorineural deafness. Identifiers: Orphanet 193, MedGen C0265223, MONDO:0008999, OMIM 216550.

Allele frequency attached by ClinVar (database versions not stated): gnomAD 0.00001; gnomAD exomes 0.00001.
gnomAD v4.1: 24 of 1,614,058 alleles (0.0015%); highest among the groups gnomAD compares: African/African-American, 0.0027%; no homozygotes.

Submissions (2):

PreventionGenetics, part of Exact Sciences
Classification: Uncertain significance for VPS13B-related condition. Last evaluated: 2025-02-17. Review status: criteria provided, single submitter. Criteria: ACMG Guidelines, 2015. Collection method: clinical testing. Allele origin: germline.
Comment: The VPS13B c.8528T>C variant is predicted to result in the amino acid substitution p.Leu2843Ser. To our knowledge, this variant has not been reported in the literature. This variant is reported in 0.00088% of alleles in individuals of European (Non-Finnish) descent in gnomAD. At this time, the clinical significance of this variant is uncertain due to the absence of conclusive functional and genetic evidence.

Labcorp Genetics (formerly Invitae), Labcorp
Classification: Uncertain significance for Cohen syndrome. Last evaluated: 2022-09-19. Review status: criteria provided, single submitter. Criteria: Invitae Variant Classification Sherloc (09022015). Collection method: clinical testing. Allele origin: germline.
Comment: This sequence change replaces leucine, which is neutral and non-polar, with serine, which is neutral and polar, at codon 2868 of the VPS13B protein (p.Leu2868Ser). This variant is present in population databases (rs552728714, gnomAD 0.0009%). This variant has not been reported in the literature in individuals affected with VPS13B-related conditions. Advanced modeling of protein sequence and biophysical properties (such as structural, functional, and spatial information, amino acid conservation, physicochemical variation, residue mobility, and thermodynamic stability) performed at Invitae indicates that this missense variant is expected to disrupt VPS13B protein function. In summary, the available evidence is currently insufficient to determine the role of this variant in disease. Therefore, it has been classified as a Variant of Uncertain Significance.